The following is an entry in ClinVar:

ClinVar aggregate classification (germline): Pathogenic/Likely pathogenic. Review status: criteria provided, multiple submitters, no conflicts (2 of 4 stars). 4 submissions from 4 submitters: Pathogenic (1); Likely pathogenic (3). Last evaluated 2023-04-11.

Conditions:
Immunodeficiency, common variable, 7. Identifiers: Orphanet 1572, Orphanet 696894, MedGen C3542922, MONDO:0013862, OMIM 614699.

Submissions (4):

Genome-Nilou Lab
Classification: Likely pathogenic for Immunodeficiency, common variable, 7. Last evaluated: 2023-04-11. Review status: criteria provided, single submitter. Criteria: ACMG Guidelines, 2015. Collection method: clinical testing. Allele origin: germline. Affected: no.

Labcorp Genetics (formerly Invitae), Labcorp
Classification: Pathogenic for Immunodeficiency, common variable, 7. Last evaluated: 2023-04-08. Review status: criteria provided, single submitter. Criteria: Invitae Variant Classification Sherloc (09022015). Collection method: clinical testing. Allele origin: germline.
Comment: For these reasons, this variant has been classified as Pathogenic. ClinVar contains an entry for this variant (Variation ID: 1683519). This variant has not been reported in the literature in individuals affected with CR2-related conditions. This variant is present in population databases (rs780740575, gnomAD 0.002%). This sequence change creates a premature translational stop signal (p.Thr209Hisfs*3) in the CR2 gene. It is expected to result in an absent or disrupted protein product. Loss-of-function variants in CR2 are known to be pathogenic (PMID: 26325596, 28499783).

Laboratorio de Genetica e Diagnostico Molecular, Hospital Israelita Albert Einstein
Classification: Likely pathogenic for Immunodeficiency, common variable, 7. Last evaluated: 2022-02-08. Review status: criteria provided, single submitter. Criteria: ACMG Guidelines, 2015. Collection method: clinical testing. Allele origin: germline. Affected: yes.
Comment: ACMG classification criteria: PVS1 very strong, PM2 moderate

Juno Genomics, Hangzhou Juno Genomics, Inc
Classification: Likely pathogenic for Immunodeficiency, common variable, 7. Review status: criteria provided, single submitter. Criteria: ACMG Guidelines, 2015. Collection method: clinical testing. Allele origin: germline.
Comment: Null variant in a gene where loss of function (LOF) is a known mechanism of disease.;Absent from controls (or at extremely low frequency if recessive) in Genome Aggregation Database.

Literature cited by the submitters: PubMed 26325596 (cited by Labcorp Genetics (formerly Invitae), Labcorp); PubMed 28499783 (cited by Labcorp Genetics (formerly Invitae), Labcorp).

NM_001006658.3(CR2):c.624dup (p.Thr209fs)

Gene: CR2 (complement C3d receptor 2; plus strand). Cytogenetic location: 1q32.2.
Variant type: Duplication.
Coding change: c.624dup on transcript NM_001006658.3 (MANE Select); coding-DNA position 624, one base duplicated (C; older notation c.624dupC).
Protein change: p.Thr209fs; shifts the reading frame from threonine 209.
Molecular consequence: frameshift variant.
Genome position (GRCh38, 1-based): chr1:207,468,705, C duplicated; the last of 7 consecutive C bases (chr1:207,468,699-207,468,705); duplicating any one gives the same sequence. VCF-style (leftmost placement, unchanged base first): chr1-207468698-T-TC. GRCh37 (hg19) VCF-style: chr1-207642043-T-TC.
Other names: c.624dup, p.Thr209fs (NM_001877.5); short protein forms T209fs.
Identifiers: ClinVar variation 1683519 (VCV001683519.10), dbSNP rs747832403, ClinGen allele CA1368469.